The following is an entry in ClinVar:

ClinVar aggregate classification (germline): Uncertain significance (1 of 4 stars; one submission).

Conditions:
Sotos syndrome (SOTOS). Also called: CEREBRAL GIGANTISM; Sotos' syndrome; Distinctive facial appearance, overgrowth in childhood, and learning disabilities or delayed development; CHROMOSOME 5q35 DELETION SYNDROME; SOTOS SYNDROME 1. Identifiers: Orphanet 821, MedGen C0175695, MONDO:0019349, OMIM 117550.

Allele frequency attached by ClinVar (database versions not stated): ExAC 0.00001; gnomAD exomes below 0.00001.
gnomAD v4.1: 1 of 1,613,630 alleles (0.000062%); highest among the groups gnomAD compares: Admixed American, 0.0017%; no homozygotes.

Submission:

Genetics and Molecular Pathology, SA Pathology
Classification: Uncertain significance for Sotos syndrome. Last evaluated: 2023-03-24. Review status: criteria provided, single submitter. Criteria: ACMG Guidelines, 2015. Collection method: clinical testing. Allele origin: germline. Inheritance: Autosomal dominant inheritance. Affected: yes.
Comment: The NSD1 c.4459A>G variant is classified as a VARIANT OF UNCERTAIN SIGNIFICANCE (BS2) The NSD1 c.4459A>G variant is a single nucleotide change in exon 10/23 of the NSD1 gene, which is predicted to change the amino acid lysine at position 1487 in the protein to glutamic acid. Computational predictions are mixed (neither BP4 or PP3 applied). This variant is absent from population databases. The variant has been reported in dbSNP (rs778789133). It has not been reported in ClinVar, HGMD or in the scientific literature to date.

NM_022455.5(NSD1):c.4459A>G (p.Lys1487Glu)

Gene: NSD1 (nuclear receptor binding SET domain protein 1; plus strand). Cytogenetic location: 5q35.3.
Variant type: single nucleotide variant.
Coding change: c.4459A>G on transcript NM_022455.5 (MANE Select); coding-DNA position 4459, A replaced by G.
Protein change: p.Lys1487Glu; replaces lysine 1487 with glutamic acid.
Molecular consequence: missense variant.
Genome position (GRCh38, 1-based): chr5:177,246,758, A>G. VCF-style: chr5-177246758-A-G. GRCh37 (hg19) VCF-style: chr5-176673759-A-G.
Other names: c.4459A>G, p.Lys1487Glu (NM_001409302.1, NM_001409303.1, NM_001409301.1); c.4039A>G, p.Lys1347Glu (NM_001409304.1); c.3706A>G, p.Lys1236Glu (NM_001409305.1); c.3586A>G, p.Lys1196Glu (NM_001409306.1, NM_001409307.1, NM_001409308.1 and 3 more transcripts); short protein forms K1196E, K1236E, K1347E, K1487E.
Identifiers: ClinVar variation 2664780 (VCV002664780.1), dbSNP rs778789133, ClinGen allele CA3577647.
Genomic context (GRCh38, chr5:177,246,758, plus strand): 5'-AAGCCAAGGAAGCGAAAACGACAGAGGCATGCTGCAGCCAAGATGCAGTGTAAAAAAGTG[A>G]AAAATGATGACTCGTCAAAAGAGATTCCAGGCTCAGAGGTATTACTCAGTTCCTGATCTT-3'
Protein context (NP_071900.2, residues 1477-1497): AAAKMQCKKV[Lys1487Glu]NDDSSKEIPG